The following is an entry in ClinVar:

ClinVar aggregate classification (germline): Pathogenic (1 of 4 stars; one submission).

Conditions:
Long QT syndrome (LQTS). Identifiers: MedGen C0023976, MeSH D008133, MONDO:0002442. Disease mechanism: loss of function. Inheritance: Various modes of inheritance.

Submission:

Labcorp Genetics (formerly Invitae), Labcorp
Classification: Pathogenic for Long QT syndrome. Last evaluated: 2025-05-01. Review status: criteria provided, single submitter. Criteria: Invitae Variant Classification Sherloc (09022015). Collection method: clinical testing. Allele origin: germline.
Comment: This variant results in the deletion of part of exon 9 (c.2146-50_2167del) of the KCNH2 gene. It is expected to disrupt RNA splicing. Variants that disrupt the donor or acceptor splice site typically lead to a loss of protein function (PMID: 16199547), and loss-of-function variants in KCNH2 are known to be pathogenic (PMID: 10973849, 19862833). This variant is not present in population databases (gnomAD no frequency). This variant has not been reported in the literature in individuals affected with KCNH2-related conditions. This variant disrupts a region of the KCNH2 protein in which other variant(s) (p.Pro721Leu) have been determined to be pathogenic (PMID: 15840476, 19841300, 22949429, 26669661). This suggests that this is a clinically significant region of the protein, and that variants that disrupt it are likely to be disease-causing. For these reasons, this variant has been classified as Pathogenic.

Literature cited by the submitters: PubMed 16199547; PubMed 10973849; PubMed 19862833; PubMed 15840476; PubMed 19841300; PubMed 22949429; PubMed 26669661.

NM_000238.4(KCNH2):c.2146-50_2167del

Gene: KCNH2 (potassium voltage-gated channel subfamily H member 2; minus strand). Cytogenetic location: 7q36.1.
Variant type: Deletion.
Coding change: c.2146-50_2167del on transcript NM_000238.4 (MANE Select); 50 bases into the intron before coding-DNA position 2146 through coding-DNA position 2167, 72 bases deleted.
Molecular consequence: splice acceptor variant.
Genome position (GRCh38, 1-based): chr7:150,950,399-150,950,470, 72 bases deleted. GRCh37 (hg19): chr7:150,647,489-150,647,560.
Other names: c.1858-50_1879del (NM_001406753.1, NM_001406756.1); c.1126-50_1147del (NM_172057.3, NM_001204798.2); c.2146-50_2167del (NM_172056.3); c.1969-50_1990del (NM_001406755.1); c.1846-50_1867del (NM_001406757.1).
Identifiers: ClinVar variation 4715444 (VCV004715444.1).